The following is an entry in ClinVar:

ClinVar aggregate classification (germline): Benign (1 of 4 stars; one submission).

gnomAD v4.1: 1,016 of 1,614,016 alleles (0.063%); highest among the groups gnomAD compares: South Asian, 1.1%; 17 homozygotes.

Submission:

CeGaT Center for Human Genetics Tuebingen
Classification: Benign. Last evaluated: 2026-08-01. Review status: criteria provided, single submitter. Criteria: CeGaT Center For Human Genetics Tuebingen Variant Classification Criteria Version 2. Collection method: clinical testing. Allele origin: germline. Affected: yes. Observed: 1 variant allele.
Comment: KCNJ16: BP4, BP7, BS1, BS2

NM_170741.4(KCNJ16):c.795C>T (p.Ala265=)

Gene: KCNJ16 (potassium inwardly rectifying channel subfamily J member 16; plus strand). Cytogenetic location: 17q24.3.
Variant type: single nucleotide variant.
Coding change: c.795C>T on transcript NM_170741.4 (MANE Select); coding-DNA position 795, C replaced by T.
Protein change: p.Ala265=; no amino-acid change (alanine 265 retained).
Molecular consequence: synonymous variant.
Genome position (GRCh38, 1-based): chr17:70,132,882, C>T. VCF-style: chr17-70132882-C-T. GRCh37 (hg19) VCF-style: chr17-68129023-C-T.
Other names: c.795C>T, p.Ala265= (NM_001270422.2, NM_001291622.3, NM_001291623.2 and 4 more transcripts).
Identifiers: ClinVar variation 5038577 (VCV005038577.1).
Genomic context (GRCh38, chr17:70,132,882, plus strand): 5'-CATCCTGGTCACCCCGGTAACTATTGTCCATGAAATTGACCATGAGAGCCCTCTGTATGC[C>T]CTTGACCGCAAAGCAGTAGCCAAAGATAACTTTGAGATTTTGGTGACATTTATCTATACT-3'
Protein context (NP_733937.3, residues 255-275): HEIDHESPLY[Ala265=]LDRKAVAKDN